The following is an entry in ClinVar:

NM_001267550.2(TTN):c.97193-2del

Genes: TTN-AS1 (TTN antisense RNA 1; plus strand), TTN (titin; minus strand). Cytogenetic location: 2q31.2.
Variant type: Deletion.
Coding change: c.97193-2del on transcript NM_001267550.2 (MANE Select); the canonical splice acceptor site of the intron before coding-DNA position 97193, one base deleted (A; older notation c.97193-2delA).
Molecular consequence: splice acceptor variant.
Genome position (GRCh38, 1-based): chr2:178,542,565, T deleted on the plus strand (A on the coding strand, the reverse complement: TTN is on the minus strand). VCF-style (leftmost placement, unchanged base first): chr2-178542564-CT-C. GRCh37 (hg19) VCF-style: chr2-179407291-CT-C.
Other names: c.69998-2del (NM_003319.4); c.70574-2del (NM_133437.4); c.70373-2del (NM_133432.3); c.89489-2del (NM_133378.4); c.92270-2del (NM_001256850.1).
Identifiers: ClinVar variation 3760218 (VCV003760218.2).

ClinVar aggregate classification (germline): Likely pathogenic (1 of 4 stars; one submission).

Conditions:
Dilated cardiomyopathy 1G (CMD1G). Identifiers: Orphanet 154, MedGen C1858763, MONDO:0011400, OMIM 604145.
Autosomal recessive limb-girdle muscular dystrophy type 2J (LGMDR10). Also called: Limb-girdle muscular dystrophy, type 2J; MUSCULAR DYSTROPHY, LIMB-GIRDLE, AUTOSOMAL RECESSIVE 10. Identifiers: Orphanet 140922, MedGen C1837342, MONDO:0012127, OMIM 608807.

Submission:

Labcorp Genetics (formerly Invitae), Labcorp
Classification: Likely pathogenic for Dilated cardiomyopathy 1G; Autosomal recessive limb-girdle muscular dystrophy type 2J. Last evaluated: 2024-12-31. Review status: criteria provided, single submitter. Criteria: Invitae Variant Classification Sherloc (09022015). Collection method: clinical testing. Allele origin: germline.
Comment: This sequence change affects a splice site in intron 348 of the TTN gene. It is expected to disrupt RNA splicing and likely results in a truncated or disrupted TTN protein. This variant is not present in population databases (gnomAD no frequency). This variant has not been reported in the literature in individuals affected with TTN-related conditions. Algorithms developed to predict the effect of sequence changes on RNA splicing suggest that this variant may disrupt the consensus splice site. This variant is located in the A band of TTN (PMID: 25589632). Truncating variants in this region are significantly overrepresented in patients affected with dilated cardiomyopathy (PMID: 25589632). Truncating variants in this region have also been reported in individuals affected with autosomal recessive centronuclear myopathy (PMID: 23975875). In summary, the currently available evidence indicates that the variant is pathogenic, but additional data are needed to prove that conclusively. Therefore, this variant has been classified as Likely Pathogenic.

Literature cited by the submitters: PubMed 25589632; PubMed 23975875.